The following is an entry in ClinVar:

NM_080675.4(SUN5):c.618C>T (p.Ala206=)

Gene: SUN5 (Sad1 and UNC84 domain containing 5; minus strand). Cytogenetic location: 20q11.21.
Variant type: single nucleotide variant.
Coding change: c.618C>T on transcript NM_080675.4 (MANE Select); coding-DNA position 618, C replaced by T.
Protein change: p.Ala206=; no amino-acid change (alanine 206 retained).
Molecular consequence: synonymous variant.
Genome position (GRCh38, 1-based): chr20:32,987,771, G>A on the plus strand (C>T on the coding strand, the complement: SUN5 is on the minus strand). VCF-style: chr20-32987771-G-A. GRCh37 (hg19) VCF-style: chr20-31575577-G-A.
Identifiers: ClinVar variation 2498884 (VCV002498884.28), dbSNP rs757373537, ClinGen allele CA9811751.

ClinVar aggregate classification (germline): Uncertain significance (1 of 4 stars; one submission).

Allele frequency attached by ClinVar (database versions not stated): gnomAD 0.00008; gnomAD exomes 0.00008; TOPMed 0.00008; ExAC 0.00014.
gnomAD v4.1: 130 of 1,611,486 alleles (0.0081%); highest among the groups gnomAD compares: Middle Eastern, 0.066%; 1 homozygote.

Submission:

CeGaT Center for Human Genetics Tuebingen
Classification: Uncertain significance. Last evaluated: 2023-03-01. Review status: criteria provided, single submitter. Criteria: CeGaT Center For Human Genetics Tuebingen Variant Classification Criteria Version 2. Collection method: clinical testing. Allele origin: germline. Affected: yes. Observed: 1 variant allele.
Comment: SUN5: PM2